The following is an entry in ClinVar:

NM_020975.6(RET):c.2080C>T (p.Arg694Trp)

Gene: RET (ret proto-oncogene; plus strand). Cytogenetic location: 10q11.21.
Variant type: single nucleotide variant.
Coding change: c.2080C>T on transcript NM_020975.6 (MANE Select); coding-DNA position 2080, C replaced by T.
Protein change: p.Arg694Trp; replaces arginine 694 with tryptophan.
Molecular consequence: missense variant.
Genome position (GRCh38, 1-based): chr10:43,114,680, C>T. VCF-style: chr10-43114680-C-T. GRCh37 (hg19) VCF-style: chr10-43610128-C-T.
Other names: c.2080C>T, p.Arg694Trp (NM_000323.2, NM_001406743.1, NM_001406744.1 and 4 more transcripts); c.1318C>T, p.Arg440Trp (NM_001355216.2); c.1951C>T, p.Arg651Trp (NM_001406761.1, NM_001406762.1, NM_001406764.1); c.1945C>T, p.Arg649Trp (NM_001406763.1, NM_001406765.1); c.1792C>T, p.Arg598Trp (NM_001406766.1, NM_001406767.1, NM_001406770.1); c.1816C>T, p.Arg606Trp (NM_001406768.1); c.1684C>T, p.Arg562Trp (NM_001406769.1, NM_001406772.1); c.1642C>T, p.Arg548Trp (NM_001406771.1, NM_001406773.1); and 10 more; short protein forms R694W, R440W, R259W, R562W, R299W, R352W, R355W, R519W.
Identifiers: ClinVar variation 36727 (VCV000036727.20), dbSNP rs193922700, ClinGen allele CA008572.

ClinVar aggregate classification (germline): Conflicting classifications of pathogenicity. Review status: criteria provided, conflicting classifications (1 of 4 stars). 10 submissions from 10 submitters: Uncertain significance (8); Likely benign (1). 1 of the submissions does not count toward it. Last evaluated 2026-01-24.

Conditions:
RET-related disorder. Also called: RET-related disorders; RET-related condition; RET-related disease.
Hereditary cancer-predisposing syndrome. Also called: Neoplastic Syndromes, Hereditary; Hereditary neoplastic syndrome; Tumor predisposition; Hereditary Cancer Syndrome. Identifiers: Orphanet 140162, MedGen C0027672, MeSH D009386, MONDO:0015356.
Multiple endocrine neoplasia, type 2 (MEN2). Identifiers: Orphanet 653, MedGen C4048306, MONDO:0019003. Disease mechanism: gain of function.
Multiple endocrine neoplasia type 2A. Also called: Multiple Endocrine Neoplasia Type 2A (MEN2A); MULTIPLE ENDOCRINE NEOPLASIA, TYPE IIA; PTC SYNDROME; SIPPLE SYNDROME; MEN 2A; MEN-2A syndrome. Identifiers: Orphanet 247698, Orphanet 653, MedGen C0025268, MeSH D018813, MONDO:0008234, OMIM 171400.

Allele frequency attached by ClinVar (database versions not stated): gnomAD exomes below 0.00001; gnomAD 0.00001; TOPMed 0.00001.
gnomAD v4.1: 7 of 1,612,386 alleles (0.00043%); highest among the groups gnomAD compares: East Asian, 0.0022%; no homozygotes.

Submissions (10):

Labcorp Genetics (formerly Invitae), Labcorp
Classification: Uncertain significance for Multiple endocrine neoplasia, type 2. Last evaluated: 2026-01-24. Review status: criteria provided, single submitter. Criteria: Invitae Variant Classification Sherloc (09022015). Collection method: clinical testing. Allele origin: germline.
Comment: This sequence change replaces arginine, which is basic and polar, with tryptophan, which is neutral and slightly polar, at codon 694 of the RET protein (p.Arg694Trp). This variant is not present in population databases (gnomAD no frequency). This missense change has been observed in individual(s) with indications for hereditary breast and ovarian cancer syndrome or with meduloblastoma (PMID: 28724667, 31159747, 34308104). ClinVar contains an entry for this variant (Variation ID: 36727). An algorithm developed to predict the effect of missense changes on protein structure and function (PolyPhen-2) suggests that this variant is likely to be disruptive. In summary, the available evidence is currently insufficient to determine the role of this variant in disease. Therefore, it has been classified as a Variant of Uncertain Significance.

Ambry Genetics
Classification: Likely benign for Hereditary cancer-predisposing syndrome. Last evaluated: 2025-07-16. Review status: criteria provided, single submitter. Criteria: Ambry Variant Classification Scheme 2023. Collection method: clinical testing. Allele origin: germline.

Color Diagnostics, LLC DBA Color Health
Classification: Uncertain significance for Multiple endocrine neoplasia, type 2. Last evaluated: 2025-06-24. Review status: criteria provided, single submitter. Criteria: ACMG Guidelines, 2015. Collection method: clinical testing. Allele origin: germline.
Comment: This missense variant replaces arginine with tryptophan at codon 694 of the RET protein. Computational prediction is inconclusive regarding the impact of this variant on protein structure and function. To our knowledge, functional studies have not been reported for this variant. This variant has been reported in individuals with a personal or family history of breast and/or ovarian cancer (PMID: 28724667, 31159747). This variant has not been identified in the general population by the Genome Aggregation Database (gnomAD). The available evidence is insufficient to determine the role of this variant in disease conclusively. Therefore, this variant is classified as a Variant of Uncertain Significance.

Unidad de Genética Molecular HGU Elche, Hospital General Universitario de Elche
Classification: Uncertain significance for Hereditary cancer-predisposing syndrome. Last evaluated: 2025-05-05. Review status: criteria provided, single submitter. Criteria: ACMG Guidelines, 2015. Collection method: clinical testing. Allele origin: germline. Affected: yes.
Comment: PM5 moderate; PM2 supporting; PP2 supporting; PP3 supporting

PreventionGenetics, part of Exact Sciences
Classification: Uncertain significance for RET-related condition. Last evaluated: 2023-09-18. Review status: criteria provided, single submitter. Criteria: ACMG Guidelines, 2015. Collection method: clinical testing. Allele origin: germline.
Comment: The RET c.2080C>T variant is predicted to result in the amino acid substitution p.Arg694Trp. This variant was reported in individuals with breast cancer, medulloblastoma, or a personal or family history of cancer (Table S3, Sun et al. 2017. PubMed ID: 28724667; described as chr10:43610128C>T Table S2, Kim et al. 2021. PubMed ID: 34308104; Table S5, Tsaousis et al. 2019. PubMed ID: 31159747). This variant has not been reported in a large population database, indicating this variant is rare. This variant is listed as uncertain in ClinVar. At this time, the clinical significance of this variant is uncertain due to the absence of conclusive functional and genetic evidence.

Myriad Genetics, Inc.
Classification: Uncertain significance for Multiple endocrine neoplasia type 2A. Last evaluated: 2023-04-18. Review status: criteria provided, single submitter. Criteria: Myriad Autosomal Dominant, Autosomal Recessive and X-Linked Classification Criteria (2023). Collection method: clinical testing. Allele origin: unknown.
Comment: This variant is classified as a variant of uncertain significance as there is insufficient evidence to determine its impact on protein function and/or cancer risk.

Blueprint Genetics
Classification: Uncertain significance. Last evaluated: 2019-08-26. Review status: criteria provided, single submitter. Criteria: ACMG Guidelines, 2015. Collection method: clinical testing. Allele origin: germline.

Women's Health and Genetics/Laboratory Corporation of America, LabCorp
Classification: Uncertain significance. Last evaluated: 2019-02-20. Review status: criteria provided, single submitter. Criteria: LabCorp Variant Classification Summary - May 2015. Collection method: clinical testing. Allele origin: germline.
Comment: Variant summary: RET c.2080C>T (p.Arg694Trp) results in a non-conservative amino acid change in the encoded protein sequence. Five of five in-silico tools predict a damaging effect of the variant on protein function. The variant was absent in 275790 control chromosomes (gnomAD). The available data on variant occurrences in the general population are insufficient to allow any conclusion about variant significance. c.2080C>T has been reported in the literature in an individual affected with breast cancer (Sun_2017). This report does not provide unequivocal conclusions about association of the variant with Multiple Endocrine Neoplasia Type 2. To our knowledge, no experimental evidence demonstrating an impact on protein function has been reported. Three ClinVar submissions from clinical diagnostic laboratories (evaluation after 2014) cite the variant as uncertain significance. Based on the evidence outlined above, the variant was classified as uncertain significance.

GeneKor MSA
Classification: Uncertain significance for Hereditary cancer-predisposing syndrome. Last evaluated: 2018-08-01. Review status: criteria provided, single submitter. Criteria: ACMG Guidelines, 2015. Collection method: clinical testing. Allele origin: germline. Affected: yes.

Counsyl
Classification: Uncertain significance for Multiple endocrine neoplasia type 2A. Last evaluated: 2018-02-06. Review status: no assertion criteria provided. Collection method: clinical testing. Allele origin: unknown. Not counted in ClinVar's aggregate classification.

Literature cited by the submitters: PubMed 28724667 (cited by 5 submitters); PubMed 31159747 (cited by 3 submitters); PubMed 34308104 (cited by Labcorp Genetics (formerly Invitae), Labcorp); PubMed 24336963 (cited by Ambry Genetics and Counsyl).